The following is an entry in ClinVar:

NM_012213.3(MLYCD):c.*671C>T

Gene: MLYCD (malonyl-CoA decarboxylase; plus strand). Cytogenetic location: 16q23.3.
Variant type: single nucleotide variant.
Coding change: c.*671C>T on transcript NM_012213.3 (MANE Select); 671 bases downstream of the stop codon, C replaced by T.
Molecular consequence: 3 prime UTR variant.
Genome position (GRCh38, 1-based): chr16:83,916,160, C>T. VCF-style: chr16-83916160-C-T. GRCh37 (hg19) VCF-style: chr16-83949765-C-T.
Identifiers: ClinVar variation 320758 (VCV000320758.6), dbSNP rs74830340, ClinGen allele CA10648147.

ClinVar aggregate classification (germline): Benign. Review status: criteria provided, multiple submitters, no conflicts (2 of 4 stars). 2 submissions from 2 submitters: Benign (2). Last evaluated 2018-01-12.

Conditions:
Deficiency of malonyl-CoA decarboxylase. Also called: Malonic aciduria; MCD deficiency. Identifiers: Orphanet 943, MedGen C0342793, MONDO:0009556, OMIM 248360.

Allele frequency attached by ClinVar (database versions not stated): TOPMed 0.04357; 1000 Genomes Project 0.06350; 1000 Genomes Project 30x 0.06465.
gnomAD v4.1: 9,377 of 991,520 alleles (0.95%); highest among the groups gnomAD compares: African/African-American, 13%; 525 homozygotes.

Submissions (2):

Illumina Laboratory Services, Illumina
Classification: Benign for Deficiency of malonyl-CoA decarboxylase. Last evaluated: 2018-01-12. Review status: criteria provided, single submitter. Criteria: ICSL Variant Classification Criteria 13 December 2019. Collection method: clinical testing. Allele origin: germline.
Comment: This variant was observed in the ICSL laboratory as part of a predisposition screen in an ostensibly healthy population. It had not been previously curated by ICSL or reported in the Human Gene Mutation Database (HGMD: prior to June 1st, 2018), and was therefore a candidate for classification through an automated scoring system. Utilizing variant allele frequency, disease prevalence and penetrance estimates, and inheritance mode, an automated score was calculated to assess if this variant is too frequent to cause the disease. Based on the score and internal cut-off values, a variant classified as benign is not then subjected to further curation. The score for this variant resulted in a classification of benign for this disease.

Breakthrough Genomics
Classification: Benign. Review status: criteria provided, single submitter. Criteria: ACMG Guidelines, 2015. Collection method: not provided. Allele origin: germline. Inheritance: Autosomal recessive inheritance. Affected: yes.